The following is an entry in ClinVar:

NM_021098.3(CACNA1H):c.6286C>T (p.Pro2096Ser)

Gene: CACNA1H (calcium voltage-gated channel subunit alpha1 H; plus strand). Cytogenetic location: 16p13.3.
Variant type: single nucleotide variant.
Coding change: c.6286C>T on transcript NM_021098.3 (MANE Select); coding-DNA position 6286, C replaced by T.
Protein change: p.Pro2096Ser; replaces proline 2096 with serine.
Molecular consequence: missense variant.
Genome position (GRCh38, 1-based): chr16:1,220,218, C>T. VCF-style: chr16-1220218-C-T. GRCh37 (hg19) VCF-style: chr16-1270218-C-T.
Other names: c.6268C>T, p.Pro2090Ser (NM_001005407.2); short protein forms P2090S, P2096S.
Identifiers: ClinVar variation 950987 (VCV000950987.9), dbSNP rs1179774948, ClinGen allele CA394149435.
Genomic context (GRCh38, chr16:1,220,218, plus strand): 5'-CAGCGCTGCGTCTCCAGCCGGCCGGCGGCCCCAGGCGGAGAGGAGGCCGAGGCCTCGGAC[C>T]CAGCCGACGAGGAGGTCAGCCACATCACCAGCTCCGCCTGCCCCTGGCAGCCCACAGCCG-3'
Protein context (NP_066921.2, residues 2086-2106): PGGEEAEASD[Pro2096Ser]ADEEVSHITS

ClinVar aggregate classification (germline): Uncertain significance (1 of 4 stars; one submission).

Conditions:
Idiopathic generalized epilepsy. Also called: EIG; Generalised epilepsy. Identifiers: MedGen C0270850, MONDO:0005579, OMIM 600669.
Hyperaldosteronism, familial, type IV (HALD4). Also called: FH IV; ALDOSTERONISM, PRIMARY, AND HYPERTENSION. Identifiers: Orphanet 642671, MedGen C4310756, MONDO:0014875, OMIM 617027.

Submission:

Labcorp Genetics (formerly Invitae), Labcorp
Classification: Uncertain significance for Idiopathic generalized epilepsy; Hyperaldosteronism, familial, type IV. Last evaluated: 2021-03-26. Review status: criteria provided, single submitter. Criteria: Invitae Variant Classification Sherloc (09022015). Collection method: clinical testing. Allele origin: germline.
Comment: This variant has not been reported in the literature in individuals with CACNA1H-related conditions. This sequence change replaces proline with serine at codon 2096 of the CACNA1H protein (p.Pro2096Ser). The proline residue is moderately conserved and there is a moderate physicochemical difference between proline and serine. This variant is not present in population databases (ExAC no frequency). Algorithms developed to predict the effect of missense changes on protein structure and function are either unavailable or do not agree on the potential impact of this missense change (SIFT: "Tolerated"; PolyPhen-2: "Possibly Damaging"; Align-GVGD: "Class C0"). In summary, the available evidence is currently insufficient to determine the role of this variant in disease. Therefore, it has been classified as a Variant of Uncertain Significance.